The following is an entry in ClinVar:

ClinVar aggregate classification (germline): Uncertain significance (1 of 4 stars; one submission).

Allele frequency attached by ClinVar (database versions not stated): 1000 Genomes Project 30x 0.00016; 1000 Genomes Project 0.00020; ExAC 0.00044; TOPMed 0.00045; ESP Exome Variant Server 0.00054; gnomAD 0.00061; gnomAD exomes 0.00089.

Submission:

Labcorp Genetics (formerly Invitae), Labcorp
Classification: Uncertain significance. Last evaluated: 2025-12-27. Review status: criteria provided, single submitter. Criteria: Invitae Variant Classification Sherloc (09022015). Collection method: clinical testing. Allele origin: germline.
Comment: This sequence change replaces methionine, which is neutral and non-polar, with valine, which is neutral and non-polar, at codon 1215 of the SIPA1L3 protein (p.Met1215Val). This variant is present in population databases (rs138017586, gnomAD 0.1%), and has an allele count higher than expected for a pathogenic variant. This variant has not been reported in the literature in individuals affected with SIPA1L3-related conditions. ClinVar contains an entry for this variant (Variation ID: 2195674). An algorithm developed to predict the effect of missense changes on protein structure and function (PolyPhen-2) suggests that this variant is likely to be tolerated. In summary, the available evidence is currently insufficient to determine the role of this variant in disease. Therefore, it has been classified as a Variant of Uncertain Significance.

NM_015073.3(SIPA1L3):c.3643A>G (p.Met1215Val)

Gene: SIPA1L3 (signal induced proliferation associated 1 like 3; plus strand). Cytogenetic location: 19q13.13.
Variant type: single nucleotide variant.
Coding change: c.3643A>G on transcript NM_015073.3 (MANE Select); coding-DNA position 3643, A replaced by G.
Protein change: p.Met1215Val; replaces methionine 1215 with valine.
Molecular consequence: missense variant.
Genome position (GRCh38, 1-based): chr19:38,152,949, A>G. VCF-style: chr19-38152949-A-G. GRCh37 (hg19) VCF-style: chr19-38643589-A-G.
Other names: short protein forms M1215V.
Identifiers: ClinVar variation 2195674 (VCV002195674.4), dbSNP rs138017586, ClinGen allele CA9410065.